The following is an entry in ClinVar:

ClinVar aggregate classification (germline): Likely pathogenic. Review status: criteria provided, single submitter (1 of 4 stars). 2 submissions from 2 submitters: Likely pathogenic (1). 1 of the submissions does not count toward it. Last evaluated 2018-10-15.

Conditions:
Meier-Gorlin syndrome 7. Identifiers: Orphanet 2554, MedGen C4310738, MONDO:0014894, OMIM 617063. Disease mechanism: loss of function.

gnomAD v4.1: 7 of 1,614,202 alleles (0.00043%); highest among the groups gnomAD compares: Non-Finnish European, 0.00059%; no homozygotes.

Submissions (2):

SIB Swiss Institute of Bioinformatics
Classification: Likely pathogenic for Meier-Gorlin syndrome 7. Last evaluated: 2018-10-15. Review status: criteria provided, single submitter. Criteria: ACMG Guidelines, 2015. Collection method: curation. Allele origin: unknown.
Comment: This variant is interpreted as Likely Pathogenic, for Meier-Gorlin syndrome 7, autosomal recessive. The following ACMG Tag(s) were applied: PM2 => Absent from controls (or at extremely low frequency if recessive) in Exome Sequencing Project, 1000 Genomes Project, or Exome Aggregation Consortium. PS3 => Well-established functional studies show a deleterious effect (PubMed 27374770).

OMIM
Classification: Pathogenic for MEIER-GORLIN SYNDROME 7. Last evaluated: 2016-10-20. Review status: no assertion criteria provided. Collection method: literature only. Allele origin: germline. Not counted in ClinVar's aggregate classification.

Literature cited by the submitters: PubMed 27374770 (cited by SIB Swiss Institute of Bioinformatics and OMIM).

NM_003504.5(CDC45):c.893C>T (p.Ala298Val)

Gene: CDC45 (cell division cycle 45; plus strand). Cytogenetic location: 22q11.21.
Variant type: single nucleotide variant.
Coding change: c.893C>T on transcript NM_003504.5 (MANE Select); coding-DNA position 893, C replaced by T.
Protein change: p.Ala298Val; replaces alanine 298 with valine.
Molecular consequence: missense variant. On other transcripts: non-coding transcript variant (1).
Genome position (GRCh38, 1-based): chr22:19,507,454, C>T. VCF-style: chr22-19507454-C-T. GRCh37 (hg19) VCF-style: chr22-19494977-C-T.
Other names: c.989C>T, p.Ala330Val (NM_001178010.2); c.755C>T, p.Ala252Val (NM_001178011.2); c.857C>T, p.Ala286Val (NM_001369291.1); short protein forms A298V, A330V, A252V, A286V.
Identifiers: ClinVar variation 253104 (VCV000253104.2), dbSNP rs146559223, ClinGen allele CA10586199.
Genomic context (GRCh38, chr22:19,507,454, plus strand): 5'-TGGTGCTCTACCAGCACTGGTCCCTCCATGACAGCCTGTGCAACACCAGCTATACCGCAG[C>T]CAGGTTCAAGCTGTGGTCTGTGCATGGACAGAAGCGGCTCCAGGAGTTCCTTGCAGACAT-3'
Protein context (NP_003495.1, residues 288-308): DSLCNTSYTA[Ala298Val]RFKLWSVHGQ